The following is an entry in ClinVar:

NM_000179.3(MSH6):c.234A>G (p.Arg78=)

Gene: MSH6 (mutS homolog 6; plus strand). Cytogenetic location: 2p16.3.
Variant type: single nucleotide variant.
Coding change: c.234A>G on transcript NM_000179.3 (MANE Select); coding-DNA position 234, A replaced by G.
Protein change: p.Arg78=; no amino-acid change (arginine 78 retained).
Molecular consequence: synonymous variant. On other transcripts: 5 prime UTR variant (1).
Genome position (GRCh38, 1-based): chr2:47,783,467, A>G. VCF-style: chr2-47783467-A-G. GRCh37 (hg19) VCF-style: chr2-48010606-A-G.
Other names: c.234A>G, p.Arg78= (NM_001281492.2); c.-503A>G (NM_001281493.2).
Identifiers: ClinVar variation 455192 (VCV000455192.17), dbSNP rs1553408414, ClinGen allele CA426120860.

ClinVar aggregate classification (germline): Conflicting classifications of pathogenicity. Review status: criteria provided, conflicting classifications (1 of 4 stars). 3 submissions from 3 submitters: Uncertain significance (1); Benign (1); Likely benign (1). Last evaluated 2025-06-01.

Conditions:
Hereditary nonpolyposis colorectal neoplasms. Identifiers: MedGen C0009405, MeSH D003123.
Hereditary cancer-predisposing syndrome. Also called: Hereditary Cancer Syndrome; Hereditary neoplastic syndrome; Neoplastic Syndromes, Hereditary; Tumor predisposition. Identifiers: Orphanet 140162, MedGen C0027672, MeSH D009386, MONDO:0015356.
Lynch syndrome 5 (LYNCH5). Also called: Hereditary non-polyposis colorectal cancer, type 5; Colorectal cancer, hereditary nonpolyposis, type 5. Identifiers: Orphanet 144, MedGen C1833477, MONDO:0013710, OMIM 614350. Disease mechanism: loss of function.

Allele frequency attached by ClinVar (database versions not stated): gnomAD exomes below 0.00001; TOPMed below 0.00001.
gnomAD v4.1: 2 of 1,451,100 alleles (0.00014%); highest among the groups gnomAD compares: Non-Finnish European, 0.00018%; no homozygotes.

Submissions (3):

Labcorp Genetics (formerly Invitae), Labcorp
Classification: Uncertain significance for Hereditary nonpolyposis colorectal neoplasms. Last evaluated: 2025-06-01. Review status: criteria provided, single submitter. Criteria: Invitae Variant Classification Sherloc (09022015). Collection method: clinical testing. Allele origin: germline.
Comment: This sequence change affects codon 78 of the MSH6 mRNA. It is a 'silent' change, meaning that it does not change the encoded amino acid sequence of the MSH6 protein. This variant is not present in population databases (gnomAD no frequency). This variant has not been reported in the literature in individuals affected with MSH6-related conditions. ClinVar contains an entry for this variant (Variation ID: 455192). Algorithms developed to predict the effect of sequence changes on RNA splicing suggest that this variant may disrupt the consensus splice site. In summary, the available evidence is currently insufficient to determine the role of this variant in disease. Therefore, it has been classified as a Variant of Uncertain Significance.

Myriad Genetics, Inc.
Classification: Benign for Lynch syndrome 5. Last evaluated: 2024-12-17. Review status: criteria provided, single submitter. Criteria: Myriad Autosomal Dominant, Autosomal Recessive and X-Linked Classification Criteria (2023). Collection method: clinical testing. Allele origin: unknown.
Comment: This variant is considered benign. This variant is a silent/synonymous amino acid change and it is not expected to impact splicing.

Ambry Genetics
Classification: Likely benign for Hereditary cancer-predisposing syndrome. Last evaluated: 2024-08-21. Review status: criteria provided, single submitter. Criteria: Ambry Variant Classification Scheme 2023. Collection method: clinical testing. Allele origin: germline.